The following is an entry in ClinVar:

NM_004304.5(ALK):c.850A>T (p.Arg284Trp)

Gene: ALK (ALK receptor tyrosine kinase; minus strand). Cytogenetic location: 2p23.2.
Variant type: single nucleotide variant.
Coding change: c.850A>T on transcript NM_004304.5 (MANE Select); coding-DNA position 850, A replaced by T.
Protein change: p.Arg284Trp; replaces arginine 284 with tryptophan.
Molecular consequence: missense variant.
Genome position (GRCh38, 1-based): chr2:29,694,952, T>A on the plus strand (A>T on the coding strand, the complement: ALK is on the minus strand). VCF-style: chr2-29694952-T-A. GRCh37 (hg19) VCF-style: chr2-29917818-T-A.
Other names: short protein forms R284W.
Identifiers: ClinVar variation 841412 (VCV000841412.12), dbSNP rs1199266892, ClinGen allele CA346587015.
Genomic context (GRCh38, chr2:29,694,952, plus strand): 5'-GCAAGTCCATCTGGGAGGCCTCCTCGGAGGGGATGCGGCGCCAGGACCAGCTCTGGTTCC[T>A]GAGGTCATGCAGTGGAGGGGAATACTCCAGCTCACAGGGGAAGTCAAAGCTGCACTCCAG-3'
Protein context (NP_004295.2, residues 274-294): LEYSPPLHDL[Arg284Trp]NQSWSWRRIP

ClinVar aggregate classification (germline): Uncertain significance. Review status: criteria provided, multiple submitters, no conflicts (2 of 4 stars). 2 submissions from 2 submitters: Uncertain significance (2). Last evaluated 2025-05-15.

Conditions:
Hereditary cancer-predisposing syndrome. Also called: Neoplastic Syndromes, Hereditary; Hereditary neoplastic syndrome; Tumor predisposition; Hereditary Cancer Syndrome. Identifiers: Orphanet 140162, MedGen C0027672, MeSH D009386, MONDO:0015356.
Neuroblastoma, susceptibility to, 3. Also called: ALK-Related Neuroblastic Tumor Susceptibility. Identifiers: Orphanet 635, MedGen C2751681, MONDO:0013083, OMIM 613014.

Submissions (2):

Labcorp Genetics (formerly Invitae), Labcorp
Classification: Uncertain significance for Neuroblastoma, susceptibility to, 3. Last evaluated: 2025-05-15. Review status: criteria provided, single submitter. Criteria: Invitae Variant Classification Sherloc (09022015). Collection method: clinical testing. Allele origin: germline.
Comment: This sequence change replaces arginine, which is basic and polar, with tryptophan, which is neutral and slightly polar, at codon 284 of the ALK protein (p.Arg284Trp). This variant is present in population databases (no rsID available, gnomAD 0.1%). This variant has not been reported in the literature in individuals affected with ALK-related conditions. ClinVar contains an entry for this variant (Variation ID: 841412). An algorithm developed to predict the effect of missense changes on protein structure and function (PolyPhen-2) suggests that this variant is likely to be disruptive. In summary, the available evidence is currently insufficient to determine the role of this variant in disease. Therefore, it has been classified as a Variant of Uncertain Significance.

Ambry Genetics
Classification: Uncertain significance for Hereditary cancer-predisposing syndrome. Last evaluated: 2025-04-18. Review status: criteria provided, single submitter. Criteria: Ambry Variant Classification Scheme 2023. Collection method: clinical testing. Allele origin: germline.
Comment: The p.R284W variant (also known as c.850A>T), located in coding exon 3 of the ALK gene, results from an A to T substitution at nucleotide position 850. The arginine at codon 284 is replaced by tryptophan, an amino acid with dissimilar properties. This amino acid position is conserved. In addition, this alteration is predicted to be tolerated by in silico analysis. Since supporting evidence is limited at this time, the clinical significance of this alteration remains unclear.